The following is an entry in ClinVar:

ClinVar aggregate classification (germline): Uncertain significance (1 of 4 stars; one submission).

Submission:

GeneDx
Classification: Uncertain significance. Last evaluated: 2019-08-29. Review status: criteria provided, single submitter. Criteria: GeneDx Variant Classification Process June 2021. Collection method: clinical testing. Allele origin: germline. Affected: yes.
Comment: Has not been previously published as pathogenic or benign to our knowledge; Not observed in large population cohorts (Lek et al., 2016); In silico analysis, which includes protein predictors and evolutionary conservation, supports a deleterious effect

NM_001005361.3(DNM2):c.2201A>T (p.Asn734Ile)

Gene: DNM2 (dynamin 2; plus strand). Cytogenetic location: 19p13.2.
Variant type: single nucleotide variant.
Coding change: c.2201A>T on transcript NM_001005361.3 (MANE Select); coding-DNA position 2201, A replaced by T.
Protein change: p.Asn734Ile; replaces asparagine 734 with isoleucine.
Molecular consequence: missense variant.
Genome position (GRCh38, 1-based): chr19:10,829,178, A>T. VCF-style: chr19-10829178-A-T. GRCh37 (hg19) VCF-style: chr19-10939854-A-T.
Other names: c.2201A>T, p.Asn734Ile (NM_001005360.3, NM_001190716.2); c.2189A>T, p.Asn730Ile (NM_001005362.3, NM_004945.4); short protein forms N730I, N734I.
Identifiers: ClinVar variation 1310700 (VCV001310700.2), dbSNP rs577767034, ClinGen allele CA404043044.
Genomic context (GRCh38, chr19:10,829,178, plus strand): 5'-ACCAGGCACAGCGGCGGGACGACATGCTGCGCATGTACCATGCCCTCAAGGAGGCGCTCA[A>T]CATCATCGGTGACATCAGCACCAGCACTGTGTCCACGCCTGTACCCCCGCCTGTCGATGA-3'
Protein context (NP_001005361.1, residues 724-744): RMYHALKEAL[Asn734Ile]IIGDISTSTV